The following is an entry in ClinVar:

ClinVar aggregate classification (germline): Likely benign (1 of 4 stars; one submission).

Allele frequency attached by ClinVar (database versions not stated): gnomAD 0.00395 and 0.00421; TOPMed 0.00447; 1000 Genomes Project 0.00499; 1000 Genomes Project 30x 0.00531.
gnomAD v4.1: 597 of 152,028 alleles (0.39%); highest among the groups gnomAD compares: African/African-American, 1.4%; 4 homozygotes.

Submission:

GeneDx
Classification: Likely benign. Last evaluated: 2018-06-19. Review status: criteria provided, single submitter. Criteria: GeneDx Variant Classification (06012015). Collection method: clinical testing. Allele origin: germline. Affected: yes.
Comment: This variant is considered likely benign or benign based on one or more of the following criteria: it is a conservative change, it occurs at a poorly conserved position in the protein, it is predicted to be benign by multiple in silico algorithms, and/or has population frequency not consistent with disease.

NM_004281.4(BAG3):c.910-258A>C

Gene: BAG3 (BAG cochaperone 3; plus strand). Cytogenetic location: 10q26.11.
Variant type: single nucleotide variant.
Coding change: c.910-258A>C on transcript NM_004281.4 (MANE Select); 258 bases into the intron before coding-DNA position 910, A replaced by C.
Molecular consequence: intron variant.
Genome position (GRCh38, 1-based): chr10:119,676,206, A>C. VCF-style: chr10-119676206-A-C. GRCh37 (hg19) VCF-style: chr10-121435718-A-C.
Identifiers: ClinVar variation 674006 (VCV000674006.1), dbSNP rs140985226, ClinGen allele CA214224545.